The following is an entry in ClinVar:

ClinVar aggregate classification (germline): Pathogenic. Review status: reviewed by expert panel (3 of 4 stars). 6 submissions from 6 submitters: Pathogenic (1). 5 of the submissions do not count toward it. Last evaluated 2017-03-17.

Conditions:
CFTR-related disorder (CFTR-RD). Also called: CFTR-related disorders; CFTR-related condition. Identifiers: MedGen C5924204, MONDO:7770004.
Cystic fibrosis (CF). Also called: MUCOVISCIDOSIS. Identifiers: Orphanet 586, MedGen C0010674, MONDO:0009061, OMIM 219700. Disease mechanism: loss of function.

Submissions (6):

CFTR2
Classification: Pathogenic for Cystic fibrosis. Last evaluated: 2017-03-17. Review status: reviewed by expert panel. Criteria: Sosnay PR et al. (Nat Genet 2013). Collection method: research. Allele origin: germline. Affected: yes. Study: CFTR2.

Natera, Inc.
Classification: Pathogenic for CFTR-related disorders. Last evaluated: 2024-04-12. Review status: criteria provided, single submitter. Criteria: Natera Variant Classification Schema (03/2026). Collection method: clinical testing. Allele origin: germline. Not counted in ClinVar's aggregate classification.
Comment: The c.3039dupC variant in CFTR is a frameshift variant predicted to shift the reading frame beginning at codon 1014 and leads to a stop codon 33 codons downstream. This variant is expected to result in nonsense mediated decay, truncation, or a dysfunctional protein product. This variant is rare in the general population with a frequency below the threshold expected for the associated phenotype(s). This variant has been observed in one or more individuals affected with the associated recessive disease, as either homozygous or compound heterozygous with a second variant (PMID: 30979683). Given the available evidence, this variant is classified as Pathogenic.

Women's Health and Genetics/Laboratory Corporation of America, LabCorp
Classification: Pathogenic for Cystic fibrosis. Last evaluated: 2024-03-07. Review status: criteria provided, single submitter. Criteria: LabCorp Variant Classification Summary - May 2015. Collection method: clinical testing. Allele origin: germline. Not counted in ClinVar's aggregate classification.
Comment: Variant summary: CFTR c.3039dupC (p.Tyr1014LeufsX33) results in a premature termination codon, predicted to cause a truncation of the encoded protein or absence of the protein due to nonsense mediated decay, which are commonly known mechanisms for disease. The variant was absent in 251158 control chromosomes. c.3039dupC has been reported in the literature in individuals affected with Cystic Fibrosis (e.g. Medza_2021, CFTR2 database). To our knowledge, no experimental evidence demonstrating an impact on protein function has been reported. The following publication has been ascertained in the context of this evaluation (PMID: 33919435). ClinVar contains an entry for this variant (Variation ID: 53635). Based on the evidence outlined above, the variant was classified as pathogenic.

Institute of Human Genetics, University of Leipzig Medical Center
Classification: Pathogenic for Cystic fibrosis. Last evaluated: 2022-09-05. Review status: criteria provided, single submitter. Criteria: ACMG Guidelines, 2015. Collection method: curation. Allele origin: unknown. Affected: yes. Observed: 4 variant alleles. Not counted in ClinVar's aggregate classification.
Comment: This variant was identified in 4 unrelated patients with a clinically confirmed diagnosis of cystic fibrosis. The variant was classified in the context of a project re-classifying variants in the German Cystic Fibrosis Registry (Muko.e.V.). Criteria applied: PVS1, PM2_SUP, PM3, PP4

Labcorp Genetics (formerly Invitae), Labcorp
Classification: Pathogenic for Cystic fibrosis. Last evaluated: 2021-12-23. Review status: criteria provided, single submitter. Criteria: Invitae Variant Classification Sherloc (09022015). Collection method: clinical testing. Allele origin: germline. Not counted in ClinVar's aggregate classification.
Comment: This premature translational stop signal has been observed in individual(s) with CFTR-related conditions (PMID: 7519167). This variant is also known as 3171insC. ClinVar contains an entry for this variant (Variation ID: 53635). For these reasons, this variant has been classified as Pathogenic. This variant is not present in population databases (gnomAD no frequency). This sequence change creates a premature translational stop signal (p.Tyr1014Leufs*33) in the CFTR gene. It is expected to result in an absent or disrupted protein product. Loss-of-function variants in CFTR are known to be pathogenic (PMID: 1695717, 7691345, 9725922).

ClinVar Staff, National Center for Biotechnology Information (NCBI)
No classification provided. Condition: CFTR-related disorders. Review status: no classification provided. Collection method: literature only. Allele origin: germline. Affected: yes. Not counted in ClinVar's aggregate classification.

Literature cited by the submitters: PubMed 30979683 (cited by Natera, Inc.); PubMed 33919435 (cited by Women's Health and Genetics/Laboratory Corporation of America, LabCorp); PubMed 7519167 (cited by Labcorp Genetics (formerly Invitae), Labcorp); PubMed 1695717 (cited by Labcorp Genetics (formerly Invitae), Labcorp); PubMed 7691345 (cited by Labcorp Genetics (formerly Invitae), Labcorp); PubMed 9725922 (cited by Labcorp Genetics (formerly Invitae), Labcorp); PubMed 20059485 (cited by ClinVar Staff, National Center for Biotechnology Information (NCBI)).

NM_000492.4(CFTR):c.3039dup (p.Tyr1014fs)

Genes: CFTR-AS2 (CFTR antisense RNA 2; minus strand), CFTR (CF transmembrane conductance regulator; plus strand), LOC111674472 (DNase I hypersensitive sites in introns 16 and 17a of CFTR; plus strand). Cytogenetic location: 7q31.2.
Variant type: Duplication.
Coding change: c.3039dup on transcript NM_000492.4 (MANE Select); coding-DNA position 3039, one base duplicated (C; older notation c.3039dupC).
Protein change: p.Tyr1014fs; shifts the reading frame from tyrosine 1014.
Molecular consequence: frameshift variant.
Genome position (GRCh38, 1-based): chr7:117,610,569, C duplicated; the last of 3 consecutive C bases (chr7:117,610,567-117,610,569); duplicating any one gives the same sequence. VCF-style (leftmost placement, unchanged base first): chr7-117610566-A-AC. GRCh37 (hg19) VCF-style: chr7-117250620-A-AC.
Other names: 3171insC; c.3039dupC (NM_000492.4, NM_000492.3); c.3039_3040insC (NM_000492.3); short protein forms Y1014fs.
Identifiers: ClinVar variation 53635 (VCV000053635.11), dbSNP rs121908781, ClinGen allele CA327023.